The following is an entry in ClinVar:

NM_000426.4(LAMA2):c.3139_3140insT (p.Asn1047fs)

Gene: LAMA2 (laminin subunit alpha 2; plus strand). Cytogenetic location: 6q22.33.
Variant type: Insertion.
Coding change: c.3139_3140insT on transcript NM_000426.4 (MANE Select); coding-DNA positions 3139 to 3140, T inserted.
Protein change: p.Asn1047fs; shifts the reading frame from asparagine 1047.
Molecular consequence: frameshift variant.
Genome position: GRCh38 VCF-style: chr6-129300837-A-AT. GRCh37 (hg19) VCF-style: chr6-129621982-A-AT.
Other names: c.3139_3140insT, p.Asn1047fs (NM_001079823.2); short protein forms N1047fs.
Identifiers: ClinVar variation 1725770 (VCV001725770.3), dbSNP rs2482348774, ClinGen allele CA2580074914.

ClinVar aggregate classification (germline): Likely pathogenic (1 of 4 stars; one submission).

Conditions:
LAMA2-related muscular dystrophy (LAMA2-RD). Also called: Laminin alpha 2-related dystrophy. Identifiers: MedGen C5679788, MONDO:0100228.

Submission:

Myriad Genetics, Inc.
Classification: Likely pathogenic for LAMA2-related muscular dystrophy. Last evaluated: 2022-03-31. Review status: criteria provided, single submitter. Criteria: Myriad Autosomal Dominant, Autosomal Recessive and X-Linked Classification Criteria (2023). Collection method: clinical testing. Allele origin: unknown.
Comment: NM_000426.3(LAMA2):c.3139_3140insT(N1047Ifs*12) is expected to be pathogenic in the context of muscular dystrophy, LAMA2-related. This variant is predicted to lead to an abnormal or absent protein product due to the creation of a premature termination codon in LAMA2, a gene where loss-of-function variants are known to be pathogenic. Please note: this variant was assessed in the context of healthy population screening.